The following is an entry in ClinVar:

NM_198503.5(KCNT2):c.725C>A (p.Thr242Asn)

Gene: KCNT2 (potassium sodium-activated channel subfamily T member 2; minus strand). Cytogenetic location: 1q31.3.
Variant type: single nucleotide variant.
Coding change: c.725C>A on transcript NM_198503.5 (MANE Select); coding-DNA position 725, C replaced by A.
Protein change: p.Thr242Asn; replaces threonine 242 with asparagine.
Molecular consequence: missense variant. On other transcripts: non-coding transcript variant (2).
Genome position (GRCh38, 1-based): chr1:196,429,671, G>T on the plus strand (C>A on the coding strand, the complement: KCNT2 is on the minus strand). VCF-style: chr1-196429671-G-T. GRCh37 (hg19) VCF-style: chr1-196398801-G-T.
Other names: c.725C>A, p.Thr242Asn (NM_001287819.3, NM_001287820.3); c.725C>A (NM_198503.3); short protein forms T242N.
Identifiers: ClinVar variation 801588 (VCV000801588.7), dbSNP rs1572418357, ClinGen allele CA344081041.
Genomic context (GRCh38, chr1:196,429,671, plus strand): 5'-ATAGCAACTACAAAAAGCTTGGAGGACCATGTTTCAGGAGTGACATCCCCGAAGCCCACA[G>T]TAGAAAACGTCACAATGCAGAAATAAAGGGAGTCAAAGAGATTCAGCTTCTTTCCTATTC-3'
Protein context (NP_940905.2, residues 232-252): SLYFCIVTFS[Thr242Asn]VGFGDVTPET

ClinVar aggregate classification (germline): Conflicting classifications of pathogenicity. Review status: criteria provided, conflicting classifications (1 of 4 stars). 4 submissions from 4 submitters: Pathogenic (1); Likely pathogenic (1); Uncertain significance (1). 1 of the submissions does not count toward it. Last evaluated 2026-03-31.

Conditions:
Developmental and epileptic encephalopathy, 57. Also called: EPILEPTIC ENCEPHALOPATHY, EARLY INFANTILE, 57. Identifiers: MedGen C4540411, MONDO:0033366, OMIM 617771.
Inborn genetic diseases. Identifiers: MedGen C0950123, MeSH D030342.

Submissions (4):

GeneDx
Classification: Likely pathogenic. Last evaluated: 2026-03-31. Review status: criteria provided, single submitter. Criteria: GeneDx Variant Classification Process June 2021. Collection method: clinical testing. Allele origin: germline.
Comment: In silico analysis supports that this missense variant has a deleterious effect on protein structure/function; Not observed at significant frequency in large population cohorts (gnomAD); This variant is associated with the following publications: (PMID: 29314763, 26724206, 29069600, 24166878, 37062836, 32773162, 38510274, 36578258, 33921670)

Ambry Genetics
Classification: Uncertain significance for Inborn genetic diseases. Last evaluated: 2020-06-15. Review status: criteria provided, single submitter. Criteria: Ambry Variant Classification Scheme 2023. Collection method: clinical testing. Allele origin: germline.
Comment: The alteration results in an amino acid change:_x000D_ _x000D_ The c.725C>A (p.T242N) alteration is located in coding exon 9 of the KCNT2 gene. This alteration results from a C to A substitution at nucleotide position 725, causing the threonine (T) at amino acid position 242 to be replaced by an asparagine (N). The alteration is not observed in population databases:_x000D_ _x000D_ Based on data from the Genome Aggregation Database (gnomAD), the KCNT2 c.725C>A alteration was not observed, with coverage at this position. The altered amino acid is conserved throughout evolution:_x000D_ _x000D_ The p.T242 amino acid is conserved in available vertebrate species. The amino acid is located in a functionally important protein domain:_x000D_ _x000D_ The p.T242N amino acid is located in the channel pore helix between transmembrane domains S5 and S6 which has been demonstrated as critical to normal channel gating and ion transfer (Gururaj, 2017). The alteration is predicted tolerated by in silico modeling:_x000D_ _x000D_ The p.T242N alteration is predicted to be tolerated by in silico analysis. Based on insufficient or conflicting evidence, the clinical significance of this alteration remains unclear.

Mendelics
Classification: Pathogenic for Developmental and epileptic encephalopathy, 57. Last evaluated: 2019-05-28. Review status: criteria provided, single submitter. Criteria: Mendelics Assertion Criteria 2017. Collection method: clinical testing. Allele origin: unknown.

OMIM
Classification: Pathogenic for DEVELOPMENTAL AND EPILEPTIC ENCEPHALOPATHY 57. Last evaluated: 2020-12-04. Review status: no assertion criteria provided. Collection method: literature only. Allele origin: germline. Not counted in ClinVar's aggregate classification.

Literature cited by the submitters: PubMed 24166878 (cited by Ambry Genetics); PubMed 26724206 (cited by Ambry Genetics); PubMed 29069600 (cited by Ambry Genetics); PubMed 29314763 (cited by Ambry Genetics); PubMed 32773162 (cited by OMIM).